The following is an entry in ClinVar:

ClinVar aggregate classification (germline): Likely benign (1 of 4 stars; one submission).

Submission:

CeGaT Center for Human Genetics Tuebingen
Classification: Likely benign. Last evaluated: 2026-02-01. Review status: criteria provided, single submitter. Criteria: CeGaT Center For Human Genetics Tuebingen Variant Classification Criteria Version 2. Collection method: clinical testing. Allele origin: germline. Affected: yes. Observed: 1 variant allele.
Comment: SPTBN1: PM2:Supporting, BP4, BP7

NM_003128.3(SPTBN1):c.7017G>A (p.Glu2339=)

Genes: SPTBN1 (spectrin beta, non-erythrocytic 1; plus strand), SPTBN1-AS2 (SPTBN1 antisense RNA 2; minus strand). Cytogenetic location: 2p16.2.
Variant type: single nucleotide variant.
Coding change: c.7017G>A on transcript NM_003128.3 (MANE Select); coding-DNA position 7017, G replaced by A.
Protein change: p.Glu2339=; no amino-acid change (glutamic acid 2339 retained).
Molecular consequence: synonymous variant.
Genome position (GRCh38, 1-based): chr2:54,668,491, G>A. VCF-style: chr2-54668491-G-A. GRCh37 (hg19) VCF-style: chr2-54895628-G-A.
Identifiers: ClinVar variation 4823516 (VCV004823516.4).